The following is an entry in ClinVar:

ClinVar aggregate classification (germline): Uncertain significance (1 of 4 stars; one submission).

gnomAD v4.1: 1 of 1,613,888 alleles (0.000062%); highest among the groups gnomAD compares: Non-Finnish European, 0.000085%; no homozygotes.

Submission:

Labcorp Genetics (formerly Invitae), Labcorp
Classification: Uncertain significance. Last evaluated: 2024-04-25. Review status: criteria provided, single submitter. Criteria: Invitae Variant Classification Sherloc (09022015). Collection method: clinical testing. Allele origin: germline.
Comment: This sequence change replaces alanine, which is neutral and non-polar, with serine, which is neutral and polar, at codon 109 of the ALPK1 protein (p.Ala109Ser). This variant is not present in population databases (gnomAD no frequency). This variant has not been reported in the literature in individuals affected with ALPK1-related conditions. Advanced modeling of protein sequence and biophysical properties (such as structural, functional, and spatial information, amino acid conservation, physicochemical variation, residue mobility, and thermodynamic stability) performed at Invitae indicates that this missense variant is not expected to disrupt ALPK1 protein function with a negative predictive value of 80%. In summary, the available evidence is currently insufficient to determine the role of this variant in disease. Therefore, it has been classified as a Variant of Uncertain Significance.

NM_025144.4(ALPK1):c.325G>T (p.Ala109Ser)

Gene: ALPK1 (alpha kinase 1; plus strand). Cytogenetic location: 4q25.
Variant type: single nucleotide variant.
Coding change: c.325G>T on transcript NM_025144.4 (MANE Select); coding-DNA position 325, G replaced by T.
Protein change: p.Ala109Ser; replaces alanine 109 with serine.
Molecular consequence: missense variant.
Genome position (GRCh38, 1-based): chr4:112,411,875, G>T. VCF-style: chr4-112411875-G-T. GRCh37 (hg19) VCF-style: chr4-113333031-G-T.
Other names: c.325G>T, p.Ala109Ser (NM_001102406.2); c.91G>T, p.Ala31Ser (NM_001253884.2); short protein forms A109S, A31S.
Identifiers: ClinVar variation 3651125 (VCV003651125.2).